The following is an entry in ClinVar:

ClinVar aggregate classification (germline): Benign. Review status: criteria provided, single submitter (1 of 4 stars). 2 submissions from 2 submitters: Benign (1). 1 of the submissions does not count toward it. Last evaluated 2019-03-20.

Allele frequency attached by ClinVar (database versions not stated): gnomAD 0.08678 and 0.08794; TOPMed 0.09368; 1000 Genomes Project 0.14038; 1000 Genomes Project 30x 0.14116.
gnomAD v4.1: 62,026 of 1,563,718 alleles (4%); highest among the groups gnomAD compares: African/African-American, 24%; 3,969 homozygotes.

Submissions (2):

GeneDx
Classification: Benign. Last evaluated: 2019-03-20. Review status: criteria provided, single submitter. Criteria: GeneDx Variant Classification Process June 2021. Collection method: clinical testing. Allele origin: germline. Affected: yes.

Leiden Open Variation Database
Classification: Uncertain significance. Last evaluated: 2011-02-07. Review status: no assertion criteria provided. Collection method: curation. Allele origin: germline. Affected: yes. Not counted in ClinVar's aggregate classification.
Comment: Curator: Arleen D. Auerbach. Submitter to LOVD: Arleen D. Auerbach.

NM_021922.3(FANCE):c.970-84T>C

Gene: FANCE (FA complementation group E; plus strand). Cytogenetic location: 6p21.31.
Variant type: single nucleotide variant.
Coding change: c.970-84T>C on transcript NM_021922.3 (MANE Select); 84 bases into the intron before coding-DNA position 970, T replaced by C.
Molecular consequence: intron variant.
Genome position (GRCh38, 1-based): chr6:35,458,213, T>C. VCF-style: chr6-35458213-T-C. GRCh37 (hg19) VCF-style: chr6-35425990-T-C.
Identifiers: ClinVar variation 929577 (VCV000929577.3), dbSNP rs3800376, ClinGen allele CA12351838.